The following is an entry in ClinVar:

NM_001003722.2(GLE1):c.1282del (p.Ile428fs)

Gene: GLE1 (GLE1 RNA export mediator; plus strand). Cytogenetic location: 9q34.11.
Variant type: Deletion.
Coding change: c.1282del on transcript NM_001003722.2 (MANE Select); coding-DNA position 1282, one base deleted (A; older notation c.1282delA).
Protein change: p.Ile428fs; shifts the reading frame from isoleucine 428.
Molecular consequence: frameshift variant.
Genome position (GRCh38, 1-based): chr9:128,527,495, A deleted. VCF-style (leftmost placement, unchanged base first): chr9-128527494-CA-C. GRCh37 (hg19) VCF-style: chr9-131289773-CA-C.
Other names: c.1282delA, p.Ile428Serfs (NM_001003722.1); c.1282del, p.Ile428fs (NM_001411013.1, NM_001499.2); short protein forms I428fs.
Identifiers: ClinVar variation 4814489 (VCV004814489.1).
Genomic context (GRCh38, chr9:128,527,494, plus strand): 5'-TCTCACTGTTCTCTTCTGGCAGGCCAAAAAGATAAAGATGGACCTCCAGAAGGCTGCTAC[CA>C]TCCCAGTGAGCCAAATCTCTACCATTGCAGGTTGGTCAGAGGGGTTGAGAACATGACCTT-3'

ClinVar aggregate classification (germline): Likely pathogenic (1 of 4 stars; one submission).

Conditions:
Lethal congenital contractural syndrome Finnish type.

Submission:

Natera, Inc.
Classification: Likely pathogenic for Lethal congenital contractural syndrome Finnish type. Last evaluated: 2024-05-20. Review status: criteria provided, single submitter. Criteria: Natera Variant Classification Schema (03/2026). Collection method: clinical testing. Allele origin: germline.
Comment: The c.1282del variant in GLE1 is a frameshift variant predicted to shift the reading frame beginning at codon 428 and leads to a stop codon 3 codons downstream. This variant is expected to result in nonsense mediated decay, truncation, or a dysfunctional protein product. This variant is rare in the general population with a frequency below the threshold expected for the associated phenotype(s). Given the available evidence, this variant is classified as Likely Pathogenic.